The following is an entry in ClinVar:

ClinVar aggregate classification (germline): Uncertain significance (1 of 4 stars; one submission).

Conditions:
Propionic acidemia (PROP). Also called: GLYCINEMIA, KETOTIC; HYPERGLYCINEMIA WITH KETOACIDOSIS AND LEUKOPENIA; KETOTIC HYPERGLYCINEMIA. Identifiers: Orphanet 35, MedGen C0268579, MONDO:0011628, OMIM 606054, HP:0003571.

Allele frequency attached by ClinVar (database versions not stated): gnomAD exomes below 0.00001.
gnomAD v4.1: 1 of 1,613,922 alleles (0.000062%); highest among the groups gnomAD compares: Non-Finnish European, 0.000085%; no homozygotes.

Submission:

Labcorp Genetics (formerly Invitae), Labcorp
Classification: Uncertain significance for Propionic acidemia. Last evaluated: 2022-06-09. Review status: criteria provided, single submitter. Criteria: Invitae Variant Classification Sherloc (09022015). Collection method: clinical testing. Allele origin: germline.
Comment: Advanced modeling of protein sequence and biophysical properties (such as structural, functional, and spatial information, amino acid conservation, physicochemical variation, residue mobility, and thermodynamic stability) performed at Invitae indicates that this missense variant is expected to disrupt PCCB protein function. This variant has not been reported in the literature in individuals affected with PCCB-related conditions. This variant is not present in population databases (gnomAD no frequency). This sequence change replaces phenylalanine, which is neutral and non-polar, with valine, which is neutral and non-polar, at codon 79 of the PCCB protein (p.Phe79Val). In summary, the available evidence is currently insufficient to determine the role of this variant in disease. Therefore, it has been classified as a Variant of Uncertain Significance.

NM_000532.5(PCCB):c.235T>G (p.Phe79Val)

Gene: PCCB (propionyl-CoA carboxylase subunit beta; plus strand). Cytogenetic location: 3q22.3.
Variant type: single nucleotide variant.
Coding change: c.235T>G on transcript NM_000532.5 (MANE Select); coding-DNA position 235, T replaced by G.
Protein change: p.Phe79Val; replaces phenylalanine 79 with valine.
Molecular consequence: missense variant.
Genome position (GRCh38, 1-based): chr3:136,255,907, T>G. VCF-style: chr3-136255907-T-G. GRCh37 (hg19) VCF-style: chr3-135974749-T-G.
Other names: c.235T>G, p.Phe79Val (NM_001178014.2); short protein forms F79V.
Identifiers: ClinVar variation 2003803 (VCV002003803.4), dbSNP rs1553774028, ClinGen allele CA354738461.